The following is an entry in ClinVar:

ClinVar aggregate classification (germline): Uncertain significance (1 of 4 stars; one submission).

Conditions:
Snijders Blok-Campeau syndrome. Also called: INTELLECTUAL DEVELOPMENTAL DISORDER WITH MACROCEPHALY, SPEECH DELAY, AND DYSMORPHIC FACIES. Identifiers: Orphanet 599082, MedGen C4748701, MONDO:0032600, OMIM 618205.

Submission:

Dasa
Classification: Uncertain significance for Snijders Blok-Campeau syndrome. Last evaluated: 2026-01-13. Review status: criteria provided, single submitter. Criteria: DASA Assertion Criteria. Collection method: clinical testing. Allele origin: germline.
Comment: NM_001005271.3(CHD3):c.219delinsGCCG (p.Phe73delinsLeuPro) is an in-frame insertion/deletion-insertion predicted to alter the protein sequence without shifting the reading frame. This variant is rare in population databases. The currently available literature and clinical evidence are not sufficient to establish a definitive association between this variant and the reported condition. Therefore, this variant is classified as a variant of uncertain significance.

NM_001005271.3(CHD3):c.219delinsGCCG (p.Phe73delinsLeuPro)

Genes: CHD3 (chromodomain helicase DNA binding protein 3; plus strand), NAA38 (N-alpha-acetyltransferase 38, NatC auxiliary subunit; minus strand). Cytogenetic location: 17p13.1.
Variant type: Indel.
Coding change: c.219delinsGCCG on transcript NM_001005271.3; coding-DNA position 219, C replaced by GCCG.
Protein change: p.Phe73delinsLeuPro.
Molecular consequence: inframe indel. On other transcripts: intron variant (1).
Genome position (GRCh38, 1-based): chr17:7,885,025, C replaced by GCCG. VCF-style: chr17-7885025-C-GCCG. GRCh37 (hg19) VCF-style: chr17-7788343-C-GCCG.
Other names: c.219delinsGCCG, p.Phe73delinsLeuPro (NM_001437504.1, NM_001437507.1, NM_001437508.1 and 1 more transcripts); c.-167+140delinsCGGC (NM_001330111.2).
Identifiers: ClinVar variation 4884055 (VCV004884055.2).